The following is an entry in ClinVar:

ClinVar aggregate classification (germline): Conflicting classifications of pathogenicity. Review status: criteria provided, conflicting classifications (1 of 4 stars). 3 submissions from 3 submitters: Uncertain significance (1); Likely benign (2). Last evaluated 2025-02-16.

Conditions:
Fanconi anemia (FA). Also called: Fanconi's anemia. Identifiers: Orphanet 84, MedGen C0015625, MeSH D005199, MONDO:0019391.

Allele frequency attached by ClinVar (database versions not stated): ExAC 0.00001; gnomAD 0.00001; gnomAD exomes below 0.00001.
gnomAD v4.1: 3 of 1,613,796 alleles (0.00019%); highest among the groups gnomAD compares: East Asian, 0.0022%; no homozygotes.

Submissions (3):

Laboratory of Genetics, Children's Clinical University Hospital Latvia
Classification: Likely benign. Last evaluated: 2025-02-16. Review status: criteria provided, single submitter. Criteria: ACMG Guidelines, 2015. Collection method: clinical testing. Allele origin: germline. Affected: yes.

Labcorp Genetics (formerly Invitae), Labcorp
Classification: Likely benign for Fanconi anemia. Last evaluated: 2024-02-05. Review status: criteria provided, single submitter. Criteria: Invitae Variant Classification Sherloc (09022015). Collection method: clinical testing. Allele origin: germline.

Sema4
Classification: Uncertain significance for Fanconi anemia. Last evaluated: 2021-06-01. Review status: criteria provided, single submitter. Criteria: Sema4 Curation Guidelines. Collection method: curation. Allele origin: germline.
Comment: The FANCD2 c.3285T>C (p.S1095=) variant has not been reported in the literature to our knowledge. It was observed in 1/113722 chromosomes of the Non-Finnish European subpopulation in the large and broad cohorts of the Genome Aggregation Database. The variant has not been reported in ClinVar. In silico tools suggest that the variant may reinforce a cryptic splice site, though these predictions have not been confirmed by functional studies. The evidence is insufficient to meet ACMG/AMP criteria for classifying the variant as benign or pathogenic. Thus, the clinical significance of this variant is currently uncertain.

NM_001018115.3(FANCD2):c.3285T>C (p.Ser1095=)

Genes: FANCD2 (FA complementation group D2; plus strand), FANCD2OS (FANCD2 opposite strand; minus strand). Cytogenetic location: 3p25.3.
Variant type: single nucleotide variant.
Coding change: c.3285T>C on transcript NM_001018115.3 (MANE Select); coding-DNA position 3285, T replaced by C.
Protein change: p.Ser1095=; no amino-acid change (serine 1095 retained).
Molecular consequence: synonymous variant. On other transcripts: intron variant (1).
Genome position (GRCh38, 1-based): chr3:10,085,872, T>C. VCF-style: chr3-10085872-T-C. GRCh37 (hg19) VCF-style: chr3-10127556-T-C.
Other names: c.3285T>C, p.Ser1095= (NM_001319984.2, NM_001374254.1, NM_033084.6); c.3174T>C, p.Ser1058= (NM_001374253.1); c.*44-4341A>G (NM_173472.2).
Identifiers: ClinVar variation 1692047 (VCV001692047.5), dbSNP rs759252565, ClinGen allele CA2250327.